The following is an entry in ClinVar:

NM_021831.6(AGBL5):c.2518C>T (p.Arg840Cys)

Gene: AGBL5 (AGBL carboxypeptidase 5; plus strand). Cytogenetic location: 2p23.3.
Variant type: single nucleotide variant.
Coding change: c.2518C>T on transcript NM_021831.6 (MANE Select); coding-DNA position 2518, C replaced by T.
Protein change: p.Arg840Cys; replaces arginine 840 with cysteine.
Molecular consequence: missense variant. On other transcripts: non-coding transcript variant (2).
Genome position (GRCh38, 1-based): chr2:27,070,120, C>T. VCF-style: chr2-27070120-C-T. GRCh37 (hg19) VCF-style: chr2-27292988-C-T.
Other names: short protein forms R840C.
Identifiers: ClinVar variation 1062127 (VCV001062127.6), dbSNP rs547170518, ClinGen allele CA1568285.
Genomic context (GRCh38, chr2:27,070,120, plus strand): 5'-CAGCCCTGATTCCTCTCTCTTTTCTGTTGCAGGCTGCCTCAGGCCAGGCCCCCACGGCCC[C>T]GCTCTGCCCCTGCCTTTTCTCCTATATCCTGTAGTCTATCTGACTCCCCATCCTGGAATT-3'
Protein context (NP_068603.4, residues 830-850): GLPQARPPRP[Arg840Cys]SAPAFSPISC

ClinVar aggregate classification (germline): Uncertain significance. Review status: criteria provided, multiple submitters, no conflicts (2 of 4 stars). 2 submissions from 2 submitters: Uncertain significance (2). Last evaluated 2022-12-16.

Allele frequency attached by ClinVar (database versions not stated): gnomAD 0.00001; ExAC 0.00002; TOPMed 0.00002; 1000 Genomes Project 30x 0.00016; 1000 Genomes Project 0.00020.
gnomAD v4.1: 24 of 1,614,122 alleles (0.0015%); highest among the groups gnomAD compares: Middle Eastern, 0.017%; no homozygotes.

Submissions (2):

Blueprint Genetics
Classification: Uncertain significance. Last evaluated: 2022-12-16. Review status: criteria provided, single submitter. Criteria: ACMG Guidelines, 2015. Collection method: clinical testing. Allele origin: germline.

Labcorp Genetics (formerly Invitae), Labcorp
Classification: Uncertain significance. Last evaluated: 2022-06-13. Review status: criteria provided, single submitter. Criteria: Invitae Variant Classification Sherloc (09022015). Collection method: clinical testing. Allele origin: germline.
Comment: In summary, the available evidence is currently insufficient to determine the role of this variant in disease. Therefore, it has been classified as a Variant of Uncertain Significance. Algorithms developed to predict the effect of missense changes on protein structure and function output the following: SIFT: "Tolerated"; PolyPhen-2: "Benign"; Align-GVGD: "Class C0". The cysteine amino acid residue is found in multiple mammalian species, which suggests that this missense change does not adversely affect protein function. ClinVar contains an entry for this variant (Variation ID: 1062127). This variant has not been reported in the literature in individuals affected with AGBL5-related conditions. This variant is present in population databases (rs547170518, gnomAD 0.006%). This sequence change replaces arginine, which is basic and polar, with cysteine, which is neutral and slightly polar, at codon 840 of the AGBL5 protein (p.Arg840Cys).